The following is an entry in ClinVar:

NM_020631.6(PLEKHG5):c.1131+1G>T

Gene: PLEKHG5 (pleckstrin homology and RhoGEF domain containing G5; minus strand). Cytogenetic location: 1p36.31.
Variant type: single nucleotide variant.
Coding change: c.1131+1G>T on transcript NM_020631.6 (MANE Select); the canonical splice donor site of the intron after coding-DNA position 1131, G replaced by T.
Molecular consequence: splice donor variant.
Genome position (GRCh38, 1-based): chr1:6,471,757, C>A on the plus strand (G>T on the coding strand, the complement: PLEKHG5 is on the minus strand). VCF-style: chr1-6471757-C-A. GRCh37 (hg19) VCF-style: chr1-6531817-C-A.
Other names: c.1131+1G>T (NM_198681.4, NM_001265594.3, NM_001042664.2 and 1 more transcripts); c.1242+1G>T (NM_001042663.3, NM_001265592.2); c.1338+1G>T (NM_001265593.2).
Identifiers: ClinVar variation 3757132 (VCV003757132.2).

ClinVar aggregate classification (germline): Likely pathogenic (1 of 4 stars; one submission).

Conditions:
Neuronopathy, distal hereditary motor, autosomal recessive 4. Also called: Autosomal recessive lower motor neuron disease with childhood onset; NEUROPATHY, DISTAL HEREDITARY MOTOR, AUTOSOMAL RECESSIVE 4. Identifiers: Orphanet 206580, MedGen C1970211, MONDO:0012608, OMIM 611067.
Charcot-Marie-Tooth disease recessive intermediate C. Also called: CHARCOT-MARIE-TOOTH NEUROPATHY, RECESSIVE INTERMEDIATE C. Identifiers: Orphanet 369867, MedGen C3809309, MONDO:0014154, OMIM 615376.

Submission:

Labcorp Genetics (formerly Invitae), Labcorp
Classification: Likely pathogenic for Neuronopathy, distal hereditary motor, autosomal recessive 4; Charcot-Marie-Tooth disease recessive intermediate C. Last evaluated: 2024-07-03. Review status: criteria provided, single submitter. Criteria: Invitae Variant Classification Sherloc (09022015). Collection method: clinical testing. Allele origin: germline.
Comment: This sequence change affects a donor splice site in intron 11 of the PLEKHG5 gene. It is expected to disrupt RNA splicing. Variants that disrupt the donor or acceptor splice site typically lead to a loss of protein function (PMID: 16199547), and loss-of-function variants in PLEKHG5 are known to be pathogenic (PMID: 17564964, 23777631). This variant is not present in population databases (gnomAD no frequency). This variant has not been reported in the literature in individuals affected with PLEKHG5-related conditions. Algorithms developed to predict the effect of sequence changes on RNA splicing suggest that this variant may disrupt the consensus splice site. In summary, the currently available evidence indicates that the variant is pathogenic, but additional data are needed to prove that conclusively. Therefore, this variant has been classified as Likely Pathogenic.

Literature cited by the submitters: PubMed 16199547; PubMed 17564964; PubMed 23777631.